The following is an entry in ClinVar:

ClinVar aggregate classification (germline): Pathogenic (1 of 4 stars; one submission).

Conditions:
Epilepsy, early-onset, vitamin B6-dependent. Also called: PLPBP Deficiency; EPILEPSY, EARLY-ONSET, 1, VITAMIN B6-DEPENDENT. Identifiers: MedGen C4310632, MONDO:0015005, OMIM 617290.

Submission:

Victorian Clinical Genetics Services, Murdoch Childrens Research Institute
Classification: Pathogenic for Epilepsy, early-onset, vitamin B6-dependent. Last evaluated: 2019-08-28. Review status: criteria provided, single submitter. Criteria: ACMG Guidelines, 2015. Collection method: clinical testing. Allele origin: germline. Inheritance: Autosomal recessive inheritance. Affected: yes.
Comment: A heterozygous frameshift deletion variant, NM_007198.3(PLPBP):c.387delC, has been identified in exon 5 of 8 of the PLPBP gene. This deletion is predicted to create a frameshift starting at amino acid position 130, introducing a stop codon 1 residues downstream (NP_009129.1(PLPBP):p.(Trp130Glyfs*10). This variant is predicted to result in loss of protein function throughnonsense-mediated decay (NMD), which is a reported mechanism of pathogenicity for this gene. The variant is present in the gnomAD database at a frequency of 0.0004% (1 heterozygous, 0 homozygous). This variant has not been previously reported in clinical cases. Multiple truncating variants predicted to result in NMD have been reported pathogenic (ClinVar; Decipher; Darin, N. et al., 2016; Jonhstone, D.L. et al. 2019). Based on the information available at the time of curation, this variant has been classified as PATHOGENIC.

NM_007198.4(PLPBP):c.387del (p.Trp130fs)

Gene: PLPBP (pyridoxal phosphate binding protein; plus strand). Cytogenetic location: 8p11.23.
Variant type: Deletion.
Coding change: c.387del on transcript NM_007198.4 (MANE Select); coding-DNA position 387, one base deleted (C; older notation c.387delC).
Protein change: p.Trp130fs; shifts the reading frame from tryptophan 130.
Molecular consequence: frameshift variant.
Genome position (GRCh38, 1-based): chr8:37,772,822, C deleted; the last of 2 consecutive C bases (chr8:37,772,821-37,772,822); deleting either gives the same sequence. VCF-style (leftmost placement, unchanged base first): chr8-37772820-TC-T. GRCh37 (hg19) VCF-style: chr8-37630338-TC-T.
Other names: c.387del, p.Trp130fs (NM_001349346.2); c.381del, p.Trp128fs (NM_001349347.2); c.231del, p.Trp78fs (NM_001349348.2); short protein forms W128fs, W130fs, W78fs.
Identifiers: ClinVar variation 1806055 (VCV001806055.2), dbSNP rs1248896048, ClinGen allele CA581101719.
Genomic context (GRCh38, chr8:37,772,820, plus strand): 5'-CCCAATCTCTTCATGCTGGAAACAGTGGATTCTGTGAAGTTGGCAGACAAAGTGAACAGT[TC>T]CTGGCAGAGAAAAGGTTCTCCTGAAAGGTTAAAGGTTATGGTCCAGATTAACACCAGCGG-3'